The following is an entry in ClinVar:

ClinVar aggregate classification (germline): Uncertain significance. Review status: criteria provided, multiple submitters, no conflicts (2 of 4 stars). 3 submissions from 3 submitters: Uncertain significance (3). Last evaluated 2024-11-25.

Conditions:
Inborn genetic diseases. Identifiers: MedGen C0950123, MeSH D030342.

Allele frequency attached by ClinVar (database versions not stated): TOPMed below 0.00001; gnomAD 0.00001.

Submissions (3):

Ambry Genetics
Classification: Uncertain significance for Inborn genetic diseases. Last evaluated: 2024-11-25. Review status: criteria provided, single submitter. Criteria: Ambry Variant Classification Scheme 2023. Collection method: clinical testing. Allele origin: germline.
Comment: The p.K28N variant (also known as c.84G>C), located in coding exon 1 of the SAMD9L gene, results from a G to C substitution at nucleotide position 84. The lysine at codon 28 is replaced by asparagine, an amino acid with similar properties. This amino acid position is conserved. In addition, this alteration is predicted to be tolerated by in silico analysis. Based on the available evidence, the clinical significance of this variant remains unclear.

GeneDx
Classification: Uncertain significance. Last evaluated: 2022-05-13. Review status: criteria provided, single submitter. Criteria: GeneDx Variant Classification Process June 2021. Collection method: clinical testing. Allele origin: germline. Affected: yes.
Comment: Not observed at significant frequency in large population cohorts (gnomAD); In silico analysis supports that this missense variant does not alter protein structure/function; Has not been previously published as pathogenic or benign to our knowledge

Labcorp Genetics (formerly Invitae), Labcorp
Classification: Uncertain significance. Last evaluated: 2021-02-14. Review status: criteria provided, single submitter. Criteria: Invitae Variant Classification Sherloc (09022015). Collection method: clinical testing. Allele origin: germline.
Comment: In summary, the available evidence is currently insufficient to determine the role of this variant in disease. Therefore, it has been classified as a Variant of Uncertain Significance. Algorithms developed to predict the effect of missense changes on protein structure and function output the following: SIFT: "Not Available"; PolyPhen-2: "Benign"; Align-GVGD: "Not Available". The asparagine amino acid residue is found in multiple mammalian species, suggesting that this missense change does not adversely affect protein function. These predictions have not been confirmed by published functional studies and their clinical significance is uncertain. This variant has not been reported in the literature in individuals with SAMD9L-related conditions. This variant is not present in population databases (ExAC no frequency). This sequence change replaces lysine with asparagine at codon 28 of the SAMD9L protein (p.Lys28Asn). The lysine residue is weakly conserved and there is a moderate physicochemical difference between lysine and asparagine.

NM_152703.5(SAMD9L):c.84G>C (p.Lys28Asn)

Gene: SAMD9L (sterile alpha motif domain containing 9 like; minus strand). Cytogenetic location: 7q21.2.
Variant type: single nucleotide variant.
Coding change: c.84G>C on transcript NM_152703.5 (MANE Select); coding-DNA position 84, G replaced by C.
Protein change: p.Lys28Asn; replaces lysine 28 with asparagine.
Molecular consequence: missense variant.
Genome position (GRCh38, 1-based): chr7:93,135,888, C>G on the plus strand (G>C on the coding strand, the complement: SAMD9L is on the minus strand). VCF-style: chr7-93135888-C-G. GRCh37 (hg19) VCF-style: chr7-92765201-C-G.
Other names: c.84G>C, p.Lys28Asn (NM_001303496.3, NM_001303497.3, NM_001303498.3 and 5 more transcripts); c.84G>C (NM_152703.2); short protein forms K28N.
Identifiers: ClinVar variation 1480197 (VCV001480197.9), dbSNP rs748003916, ClinGen allele CA368206938.